The following is an entry in ClinVar:

ClinVar aggregate classification (germline): Uncertain significance. Review status: criteria provided, multiple submitters, no conflicts (2 of 4 stars). 2 submissions from 2 submitters: Uncertain significance (2). Last evaluated 2024-07-29.

Conditions:
Spastic paraplegia. Identifiers: MedGen C0037772, HP:0001258.
Inborn genetic diseases. Identifiers: MedGen C0950123, MeSH D030342.

Allele frequency attached by ClinVar (database versions not stated): TOPMed below 0.00001.
gnomAD v4.1: 1 of 1,209,564 alleles (0.000083%); highest among the groups gnomAD compares: Admixed American, 0.0022%; no homozygotes.

Submissions (2):

Labcorp Genetics (formerly Invitae), Labcorp
Classification: Uncertain significance for Spastic paraplegia. Last evaluated: 2024-07-29. Review status: criteria provided, single submitter. Criteria: Invitae Variant Classification Sherloc (09022015). Collection method: clinical testing. Allele origin: germline.
Comment: This sequence change replaces aspartic acid, which is acidic and polar, with glutamic acid, which is acidic and polar, at codon 521 of the SLC16A2 protein (p.Asp521Glu). This variant is not present in population databases (gnomAD no frequency). This variant has not been reported in the literature in individuals affected with SLC16A2-related conditions. ClinVar contains an entry for this variant (Variation ID: 521525). Advanced modeling of protein sequence and biophysical properties (such as structural, functional, and spatial information, amino acid conservation, physicochemical variation, residue mobility, and thermodynamic stability) performed at Invitae indicates that this missense variant is not expected to disrupt SLC16A2 protein function with a negative predictive value of 80%. In summary, the available evidence is currently insufficient to determine the role of this variant in disease. Therefore, it has been classified as a Variant of Uncertain Significance.

Ambry Genetics
Classification: Uncertain significance for Inborn genetic diseases. Last evaluated: 2017-01-27. Review status: criteria provided, single submitter. Criteria: Ambry exome assertion method (8-5-2015). Collection method: clinical testing. Allele origin: germline. Affected: yes. Observed: 1 variant allele.

NM_006517.5(SLC16A2):c.1563C>G (p.Asp521Glu)

Gene: SLC16A2 (solute carrier family 16 member 2; plus strand). Cytogenetic location: Xq13.2.
Variant type: single nucleotide variant.
Coding change: c.1563C>G on transcript NM_006517.5 (MANE Select); coding-DNA position 1563, C replaced by G.
Protein change: p.Asp521Glu; replaces aspartic acid 521 with glutamic acid.
Molecular consequence: missense variant.
Genome position (GRCh38, 1-based): chrX:74,531,496, C>G. VCF-style: chrX-74531496-C-G. GRCh37 (hg19) VCF-style: chrX-73751331-C-G.
Other names: short protein forms D521E.
Identifiers: ClinVar variation 521525 (VCV000521525.6), dbSNP rs1411882430, ClinGen allele CA413659334.